The following is an entry in ClinVar:

ClinVar aggregate classification (germline): Likely pathogenic (1 of 4 stars; one submission).

Conditions:
Menkes kinky-hair syndrome (MNK). Also called: Copper transport disease; Classic Menkes Disease; Menkes Disease. Identifiers: Orphanet 565, MedGen C0022716, MONDO:0010651, OMIM 309400.

Submission:

Myriad Genetics, Inc.
Classification: Likely pathogenic for Menkes kinky-hair syndrome. Last evaluated: 2022-05-18. Review status: criteria provided, single submitter. Criteria: Myriad Autosomal Dominant, Autosomal Recessive and X-Linked Classification Criteria (2023). Collection method: clinical testing. Allele origin: unknown.
Comment: NM_000052.5(ATP7A):c.1537dupG(E513Gfs*21) is expected to be pathogenic in the context of ATP7A-related disorders. This variant is predicted to lead to an abnormal or absent protein product due to the creation of a premature termination codon in ATP7A, a gene where loss-of-function variants are known to be pathogenic. Please note: this variant was assessed in the context of healthy population screening.

NM_000052.7(ATP7A):c.1537dup (p.Glu513fs)

Gene: ATP7A (ATPase copper transporting alpha; plus strand). Cytogenetic location: Xq21.1.
Variant type: Duplication.
Coding change: c.1537dup on transcript NM_000052.7 (MANE Select); coding-DNA position 1537, one base duplicated (G; older notation c.1537dupG).
Protein change: p.Glu513fs; shifts the reading frame from glutamic acid 513.
Molecular consequence: frameshift variant.
Genome position (GRCh38, 1-based): chrX:77,998,678, G duplicated; the last of 3 consecutive G bases (chrX:77,998,676-77,998,678); duplicating any one gives the same sequence. VCF-style (leftmost placement, unchanged base first): chrX-77998675-C-CG. GRCh37 (hg19) VCF-style: chrX-77254172-C-CG.
Other names: c.1537dup, p.Glu513fs (NM_001282224.2); short protein forms E513fs.
Identifiers: ClinVar variation 1726085 (VCV001726085.3), dbSNP rs2522314785, ClinGen allele CA2580101492.
Genomic context (GRCh38, chrX:77,998,675, plus strand): 5'-ATACAGGTCACTGGCATGACTTGCGCTTCCTGTGTAGCAAACATTGAACGGAATTTAAGG[C>CG]GGGAAGAAGGTGAGACACTCTTGAAGCTTGTTATTTTATGTGCTAGTTTGGGAGCTCCAT-3'